The following is an entry in ClinVar:

ClinVar aggregate classification (germline): Uncertain significance (1 of 4 stars; one submission).

Conditions:
Dystonia 12 (DYT12). Also called: DYT-ATP1A3; Rapid-Onset Dystonia-Parkinsonism (RDP). Identifiers: Orphanet 71517, MedGen C1868681, MONDO:0007496, OMIM 128235.

gnomAD v4.1: 1 of 1,614,084 alleles (0.000062%); highest among the groups gnomAD compares: South Asian, 0.0011%; no homozygotes.

Submission:

Labcorp Genetics (formerly Invitae), Labcorp
Classification: Uncertain significance for Dystonia 12. Last evaluated: 2025-11-28. Review status: criteria provided, single submitter. Criteria: Invitae Variant Classification Sherloc (09022015). Collection method: clinical testing. Allele origin: germline.
Comment: This sequence change replaces alanine, which is neutral and non-polar, with threonine, which is neutral and polar, at codon 911 of the ATP1A3 protein (p.Ala911Thr). This variant is not present in population databases (gnomAD no frequency). This missense change has been observed in individual(s) with clinical features of ATP1A3-related conditions (internal data). Invitae Evidence Modeling of protein sequence and biophysical properties (such as structural, functional, and spatial information, amino acid conservation, physicochemical variation, residue mobility, and thermodynamic stability) indicates that this missense variant is expected to disrupt ATP1A3 protein function with a positive predictive value of 95%. This variant disrupts the p.Ala911 amino acid residue in ATP1A3. Other variant(s) that disrupt this residue have been observed in individuals with ATP1A3-related conditions (PMID: 36484864), which suggests that this may be a clinically significant amino acid residue. In summary, the available evidence is currently insufficient to determine the role of this variant in disease. Therefore, it has been classified as a Variant of Uncertain Significance.

Literature cited by the submitters: PubMed 36484864.

NM_152296.5(ATP1A3):c.2731G>A (p.Ala911Thr)

Gene: ATP1A3 (ATPase Na+/K+ transporting subunit alpha 3; minus strand). Cytogenetic location: 19q13.2.
Variant type: single nucleotide variant.
Coding change: c.2731G>A on transcript NM_152296.5 (MANE Select); coding-DNA position 2731, G replaced by A.
Protein change: p.Ala911Thr; replaces alanine 911 with threonine.
Molecular consequence: missense variant.
Genome position (GRCh38, 1-based): chr19:41,968,873, C>T on the plus strand (G>A on the coding strand, the complement: ATP1A3 is on the minus strand). VCF-style: chr19-41968873-C-T. GRCh37 (hg19) VCF-style: chr19-42473025-C-T.
Other names: c.2764G>A, p.Ala922Thr (NM_001256213.2); c.2770G>A, p.Ala924Thr (NM_001256214.2); short protein forms A911T, A922T, A924T.
Identifiers: ClinVar variation 4802144 (VCV004802144.1).